The following is an entry in ClinVar:

NM_002047.4(GARS1):c.1614-4G>A

Gene: GARS1 (glycyl-tRNA synthetase 1; plus strand). Cytogenetic location: 7p14.3.
Variant type: single nucleotide variant.
Coding change: c.1614-4G>A on transcript NM_002047.4 (MANE Select); 4 bases into the intron before coding-DNA position 1614, G replaced by A.
Molecular consequence: intron variant.
Genome position (GRCh38, 1-based): chr7:30,626,230, G>A. VCF-style: chr7-30626230-G-A. GRCh37 (hg19) VCF-style: chr7-30665846-G-A.
Other names: c.1614-4G>A (LRG_243t1, NM_002047.3); c.1452-4G>A (NM_001316772.1).
Identifiers: ClinVar variation 386355 (VCV000386355.17), dbSNP rs376324026, ClinGen allele CA4206020.

ClinVar aggregate classification (germline): Benign/Likely benign. Review status: criteria provided, multiple submitters, no conflicts (2 of 4 stars). 5 submissions from 5 submitters: Benign (2); Likely benign (2). 1 of the submissions does not count toward it. Last evaluated 2025-02-26.

Conditions:
GARS1-related disorder. Also called: GARS1-related condition.
Charcot-Marie-Tooth disease type 2. Also called: Charcot-Marie-Tooth type 2. Identifiers: Orphanet 64746, MedGen C0270914, MONDO:0018993.

Allele frequency attached by ClinVar (database versions not stated): ESP Exome Variant Server 0.00077; 1000 Genomes Project 30x 0.00047; TOPMed 0.00092; 1000 Genomes Project 0.00040.
gnomAD v4.1: 264 of 1,590,504 alleles (0.017%); highest among the groups gnomAD compares: African/African-American, 0.3%; no homozygotes.

Submissions (5):

Labcorp Genetics (formerly Invitae), Labcorp
Classification: Benign for Charcot-Marie-Tooth disease type 2. Last evaluated: 2025-02-26. Review status: criteria provided, single submitter. Criteria: Invitae Variant Classification Sherloc (09022015). Collection method: clinical testing. Allele origin: germline.

Ambry Genetics
Classification: Likely benign. Last evaluated: 2020-11-04. Review status: criteria provided, single submitter. Criteria: Ambry Variant Classification Scheme 2023. Collection method: clinical testing. Allele origin: germline.

Athena Diagnostics
Classification: Benign. Last evaluated: 2019-01-15. Review status: criteria provided, single submitter. Criteria: Athena Diagnostics Criteria. Collection method: clinical testing. Allele origin: germline.

GeneDx
Classification: Likely benign. Last evaluated: 2017-03-02. Review status: criteria provided, single submitter. Criteria: GeneDx Variant Classification (06012015). Collection method: clinical testing. Allele origin: germline. Affected: yes.
Comment: This variant is considered likely benign or benign based on one or more of the following criteria: it is a conservative change, it occurs at a poorly conserved position in the protein, it is predicted to be benign by multiple in silico algorithms, and/or has population frequency not consistent with disease.

PreventionGenetics, part of Exact Sciences
Classification: Likely benign for GARS1-related condition. Last evaluated: 2019-07-19. Review status: no assertion criteria provided. Collection method: clinical testing. Allele origin: germline. Not counted in ClinVar's aggregate classification.
Comment: This variant is classified as likely benign based on ACMG/AMP sequence variant interpretation guidelines (Richards et al. 2015 PMID: 25741868, with internal and published modifications).